The following is an entry in ClinVar:

ClinVar aggregate classification (germline): Uncertain significance. Review status: criteria provided, multiple submitters, no conflicts (2 of 4 stars). 2 submissions from 2 submitters: Uncertain significance (2). Last evaluated 2025-12-16.

Conditions:
Ataxia-telangiectasia-like disorder (ATLD). Identifiers: MedGen C1858391, MONDO:0011457.
Hereditary cancer-predisposing syndrome. Also called: Tumor predisposition; Hereditary neoplastic syndrome; Hereditary Cancer Syndrome; Neoplastic Syndromes, Hereditary. Identifiers: Orphanet 140162, MedGen C0027672, MeSH D009386, MONDO:0015356.

Allele frequency attached by ClinVar (database versions not stated): gnomAD 0.00001; gnomAD exomes 0.00001; ExAC 0.00001.
gnomAD v4.1: 7 of 1,612,918 alleles (0.00043%); highest among the groups gnomAD compares: South Asian, 0.0066%; no homozygotes.

Submissions (2):

Ambry Genetics
Classification: Uncertain significance for Hereditary cancer-predisposing syndrome. Last evaluated: 2025-12-16. Review status: criteria provided, single submitter. Criteria: Ambry Variant Classification Scheme 2023. Collection method: clinical testing. Allele origin: germline.

Labcorp Genetics (formerly Invitae), Labcorp
Classification: Uncertain significance for Ataxia-telangiectasia-like disorder. Last evaluated: 2023-03-27. Review status: criteria provided, single submitter. Criteria: Invitae Variant Classification Sherloc (09022015). Collection method: clinical testing. Allele origin: germline.
Comment: This variant has not been reported in the literature in individuals affected with MRE11-related conditions. ClinVar contains an entry for this variant (Variation ID: 231874). An algorithm developed to predict the effect of missense changes on protein structure and function (PolyPhen-2) suggests that this variant is likely to be disruptive. In summary, the available evidence is currently insufficient to determine the role of this variant in disease. Therefore, it has been classified as a Variant of Uncertain Significance. This variant is present in population databases (rs755853053, gnomAD 0.003%). This sequence change replaces asparagine, which is neutral and polar, with aspartic acid, which is acidic and polar, at codon 256 of the MRE11 protein (p.Asn256Asp).

NM_005591.4(MRE11):c.766A>G (p.Asn256Asp)

Gene: MRE11 (MRE11 double strand break repair nuclease; minus strand). Cytogenetic location: 11q21.
Variant type: single nucleotide variant.
Coding change: c.766A>G on transcript NM_005591.4 (MANE Select); coding-DNA position 766, A replaced by G.
Protein change: p.Asn256Asp; replaces asparagine 256 with aspartic acid.
Molecular consequence: missense variant.
Genome position (GRCh38, 1-based): chr11:94,471,653, T>C on the plus strand (A>G on the coding strand, the complement: MRE11 is on the minus strand). VCF-style: chr11-94471653-T-C. GRCh37 (hg19) VCF-style: chr11-94204819-T-C.
Other names: c.766A>G, p.Asn256Asp (NM_001330347.2, NM_005590.4); short protein forms N256D.
Identifiers: ClinVar variation 231874 (VCV000231874.11), dbSNP rs755853053, ClinGen allele CA6235309.